The following is an entry in ClinVar:

ClinVar aggregate classification (germline): Likely benign. Review status: criteria provided, multiple submitters, no conflicts (2 of 4 stars). 3 submissions from 3 submitters: Likely benign (2). 1 of the submissions does not count toward it. Last evaluated 2019-12-31.

Conditions:
BMS1-related disorder. Also called: BMS1-related condition.

Allele frequency attached by ClinVar (database versions not stated): 1000 Genomes Project 30x 0.00062; ExAC 0.00117; gnomAD exomes 0.00121; gnomAD 0.00123 and 0.00124; TOPMed 0.00136; 1000 Genomes Project 0.00060; ESP Exome Variant Server 0.00154.
gnomAD v4.1: 3,109 of 1,611,480 alleles (0.19%); highest among the groups gnomAD compares: Non-Finnish European, 0.24%; 9 homozygotes.

Submissions (3):

Labcorp Genetics (formerly Invitae), Labcorp
Classification: Likely benign. Last evaluated: 2019-12-31. Review status: criteria provided, single submitter. Criteria: Invitae Variant Classification Sherloc (09022015). Collection method: clinical testing. Allele origin: germline.

Breakthrough Genomics
Classification: Likely benign. Review status: criteria provided, single submitter. Criteria: ACMG Guidelines, 2015. Collection method: not provided. Allele origin: germline. Inheritance: Autosomal dominant inheritance. Affected: yes.

PreventionGenetics, part of Exact Sciences
Classification: Likely benign for BMS1-related condition. Last evaluated: 2019-10-31. Review status: no assertion criteria provided. Collection method: clinical testing. Allele origin: germline. Not counted in ClinVar's aggregate classification.
Comment: This variant is classified as likely benign based on ACMG/AMP sequence variant interpretation guidelines (Richards et al. 2015 PMID: 25741868, with internal and published modifications).

NM_014753.4(BMS1):c.848A>G (p.Tyr283Cys)

Gene: BMS1 (BMS1 ribosome biogenesis factor; plus strand). Cytogenetic location: 10q11.21.
Variant type: single nucleotide variant.
Coding change: c.848A>G on transcript NM_014753.4 (MANE Select); coding-DNA position 848, A replaced by G.
Protein change: p.Tyr283Cys; replaces tyrosine 283 with cysteine.
Molecular consequence: missense variant.
Genome position (GRCh38, 1-based): chr10:42,792,561, A>G. VCF-style: chr10-42792561-A-G. GRCh37 (hg19) VCF-style: chr10-43288009-A-G.
Other names: short protein forms Y283C.
Identifiers: ClinVar variation 783032 (VCV000783032.7), dbSNP rs148911479, ClinGen allele CA5475557.